The following is an entry in ClinVar:

NM_013352.4(DSE):c.2663C>G (p.Thr888Ser)

Gene: DSE (dermatan sulfate epimerase; plus strand). Cytogenetic location: 6q22.1.
Variant type: single nucleotide variant.
Coding change: c.2663C>G on transcript NM_013352.4 (MANE Select); coding-DNA position 2663, C replaced by G.
Protein change: p.Thr888Ser; replaces threonine 888 with serine.
Molecular consequence: missense variant. On other transcripts: non-coding transcript variant (1), 3 prime UTR variant (2).
Genome position (GRCh38, 1-based): chr6:116,437,131, C>G. VCF-style: chr6-116437131-C-G. GRCh37 (hg19) VCF-style: chr6-116758294-C-G.
Other names: c.1628C>G, p.Thr543Ser (NM_001374521.1); c.2663C>G (NM_013352.2); c.2663C>G, p.Thr888Ser (NM_001080976.3, NM_001322937.2, NM_001322938.2); c.2720C>G, p.Thr907Ser (NM_001322939.2); c.2102C>G, p.Thr701Ser (NM_001322940.2, NM_001322941.2); c.*1528C>G (NM_001322943.2, NM_001322944.2); c.1664C>G, p.Thr555Ser (NM_001374520.1); short protein forms T888S, T555S, T701S, T907S, T543S.
Identifiers: ClinVar variation 1521949 (VCV001521949.8), dbSNP rs376771433, ClinGen allele CA3969854.

ClinVar aggregate classification (germline): Uncertain significance. Review status: criteria provided, multiple submitters, no conflicts (2 of 4 stars). 3 submissions from 3 submitters: Uncertain significance (3). Last evaluated 2026-04-06.

Conditions:
Inborn genetic diseases. Identifiers: MedGen C0950123, MeSH D030342.
Ehlers-Danlos syndrome, musculocontractural type 2 (EDSMC2). Identifiers: Orphanet 2953, MedGen C3809845, MONDO:0014236, OMIM 615539.

Allele frequency attached by ClinVar (database versions not stated): ExAC 0.00001; ESP Exome Variant Server 0.00008; gnomAD 0.00008 and 0.00009; TOPMed 0.00012.
gnomAD v4.1: 40 of 1,614,116 alleles (0.0025%); highest among the groups gnomAD compares: Admixed American, 0.048%; no homozygotes.

Submissions (3):

Women's Health and Genetics/Laboratory Corporation of America, LabCorp
Classification: Uncertain significance. Last evaluated: 2026-04-06. Review status: criteria provided, single submitter. Criteria: LabCorp Variant Classification Summary - May 2015. Collection method: clinical testing. Allele origin: germline.
Comment: Variant summary: DSE c.2663C>G (p.Thr888Ser) results in a conservative amino acid change in the encoded protein sequence. Algorithms developed to predict the effect of missense changes on protein structure and function are either unavailable or do not agree on the potential impact of this missense change. The variant allele was found at a frequency of 5.6e-05 in 251298 control chromosomes. This frequency is not significantly higher than estimated for disease-causing variants in DSE, allowing no conclusion about variant significance. To our knowledge, no occurrence of c.2663C>G in individuals affected with DSE-related conditions and no experimental evidence demonstrating its impact on protein function have been reported. ClinVar contains an entry for this variant (Variation ID: 1521949). Based on the evidence outlined above, the variant was classified as uncertain significance.

Ambry Genetics
Classification: Uncertain significance for Inborn genetic diseases. Last evaluated: 2025-12-11. Review status: criteria provided, single submitter. Criteria: Ambry Variant Classification Scheme 2023. Collection method: clinical testing. Allele origin: germline.

Labcorp Genetics (formerly Invitae), Labcorp
Classification: Uncertain significance for Ehlers-Danlos syndrome, musculocontractural type 2. Last evaluated: 2022-08-15. Review status: criteria provided, single submitter. Criteria: Invitae Variant Classification Sherloc (09022015). Collection method: clinical testing. Allele origin: germline.
Comment: In summary, the available evidence is currently insufficient to determine the role of this variant in disease. Therefore, it has been classified as a Variant of Uncertain Significance. Algorithms developed to predict the effect of missense changes on protein structure and function output the following: SIFT: "Not Available"; PolyPhen-2: "Possibly Damaging"; Align-GVGD: "Not Available". The serine amino acid residue is found in multiple mammalian species, which suggests that this missense change does not adversely affect protein function. ClinVar contains an entry for this variant (Variation ID: 1521949). This variant has not been reported in the literature in individuals affected with DSE-related conditions. This variant is present in population databases (rs376771433, gnomAD 0.04%). This sequence change replaces threonine, which is neutral and polar, with serine, which is neutral and polar, at codon 888 of the DSE protein (p.Thr888Ser).